The following is an entry in ClinVar:

ClinVar aggregate classification (germline): Uncertain significance. Review status: criteria provided, multiple submitters, no conflicts (2 of 4 stars). 2 submissions from 2 submitters: Uncertain significance (2). Last evaluated 2024-02-12.

Conditions:
Cardiovascular phenotype. Identifiers: MedGen CN230736.
Dilated cardiomyopathy 1HH (CMD1HH). Identifiers: Orphanet 154, MedGen C3151293, MONDO:0013479, OMIM 613881.
Myofibrillar myopathy 6. Identifiers: Orphanet 199340, MedGen C2751831, MONDO:0013061, OMIM 612954.

Allele frequency attached by ClinVar (database versions not stated): gnomAD exomes below 0.00001; TOPMed below 0.00001; gnomAD 0.00001.
gnomAD v4.1: 2 of 1,614,058 alleles (0.00012%); highest among the groups gnomAD compares: Admixed American, 0.0033%; no homozygotes.

Submissions (2):

Ambry Genetics
Classification: Uncertain significance for Cardiovascular phenotype. Last evaluated: 2024-02-12. Review status: criteria provided, single submitter. Criteria: Ambry Variant Classification Scheme 2023. Collection method: clinical testing. Allele origin: germline.
Comment: The p.P387L variant (also known as c.1160C>T), located in coding exon 4 of the BAG3 gene, results from a C to T substitution at nucleotide position 1160. The proline at codon 387 is replaced by leucine, an amino acid with similar properties. This amino acid position is well conserved in available vertebrate species. In addition, the in silico prediction for this alteration is inconclusive. Based on the available evidence, the clinical significance of this alteration remains unclear.

Labcorp Genetics (formerly Invitae), Labcorp
Classification: Uncertain significance for Dilated cardiomyopathy 1HH; Myofibrillar myopathy 6. Last evaluated: 2023-06-03. Review status: criteria provided, single submitter. Criteria: Invitae Variant Classification Sherloc (09022015). Collection method: clinical testing. Allele origin: germline.
Comment: This variant has not been reported in the literature in individuals affected with BAG3-related conditions. ClinVar contains an entry for this variant (Variation ID: 410236). Advanced modeling of protein sequence and biophysical properties (such as structural, functional, and spatial information, amino acid conservation, physicochemical variation, residue mobility, and thermodynamic stability) performed at Invitae indicates that this missense variant is not expected to disrupt BAG3 protein function. In summary, the available evidence is currently insufficient to determine the role of this variant in disease. Therefore, it has been classified as a Variant of Uncertain Significance. This sequence change replaces proline, which is neutral and non-polar, with leucine, which is neutral and non-polar, at codon 387 of the BAG3 protein (p.Pro387Leu). This variant is present in population databases (no rsID available, gnomAD 0.003%).

NM_004281.4(BAG3):c.1160C>T (p.Pro387Leu)

Gene: BAG3 (BAG cochaperone 3; plus strand). Cytogenetic location: 10q26.11.
Variant type: single nucleotide variant.
Coding change: c.1160C>T on transcript NM_004281.4 (MANE Select); coding-DNA position 1160, C replaced by T.
Protein change: p.Pro387Leu; replaces proline 387 with leucine.
Molecular consequence: missense variant.
Genome position (GRCh38, 1-based): chr10:119,676,714, C>T. VCF-style: chr10-119676714-C-T. GRCh37 (hg19) VCF-style: chr10-121436226-C-T.
Other names: short protein forms P387L.
Identifiers: ClinVar variation 410236 (VCV000410236.13), dbSNP rs1060502816, ClinGen allele CA16612936.